The following is an entry in ClinVar:

ClinVar aggregate classification (germline): Conflicting classifications of pathogenicity. Review status: criteria provided, conflicting classifications (1 of 4 stars). 2 submissions from 2 submitters: Uncertain significance (1); Likely benign (1). Last evaluated 2025-11-03.

Allele frequency attached by ClinVar (database versions not stated): ExAC 0.00003; gnomAD exomes 0.00006; gnomAD 0.00001; TOPMed 0.00003.
gnomAD v4.1: 63 of 1,209,766 alleles (0.0052%); highest among the groups gnomAD compares: Non-Finnish European, 0.0065%; no homozygotes.

Submissions (2):

Ambry Genetics
Classification: Uncertain significance. Last evaluated: 2025-11-03. Review status: criteria provided, single submitter. Criteria: Ambry Variant Classification Scheme 2023. Collection method: clinical testing. Allele origin: germline.

GeneDx
Classification: Likely benign. Last evaluated: 2022-09-20. Review status: criteria provided, single submitter. Criteria: GeneDx Variant Classification Process June 2021. Collection method: clinical testing. Allele origin: germline. Affected: yes.
Comment: In silico analysis supports that this missense variant has a deleterious effect on protein structure/function; Has not been previously published as pathogenic or benign to our knowledge

NM_033641.4(COL4A6):c.5044C>T (p.Arg1682Cys)

Gene: COL4A6 (collagen type IV alpha 6 chain; minus strand). Cytogenetic location: Xq22.3.
Variant type: single nucleotide variant.
Coding change: c.5044C>T on transcript NM_033641.4 (MANE Select); coding-DNA position 5044, C replaced by T.
Protein change: p.Arg1682Cys; replaces arginine 1682 with cysteine.
Molecular consequence: missense variant.
Genome position (GRCh38, 1-based): chrX:108,157,029, G>A on the plus strand (C>T on the coding strand, the complement: COL4A6 is on the minus strand). VCF-style: chrX-108157029-G-A. GRCh37 (hg19) VCF-style: chrX-107400259-G-A.
Other names: c.5095C>T, p.Arg1699Cys (NM_001287758.2); c.4972C>T, p.Arg1658Cys (NM_001287759.2); c.4873C>T, p.Arg1625Cys (NM_001287760.2); c.5047C>T, p.Arg1683Cys (NM_001847.4); c.5047C>T (NM_001847.2); short protein forms R1625C, R1658C, R1682C, R1683C, R1699C.
Identifiers: ClinVar variation 2504653 (VCV002504653.2), dbSNP rs749619355, ClinGen allele CA10487072.